The following is an entry in ClinVar:

ClinVar aggregate classification (germline): Uncertain significance. Review status: criteria provided, multiple submitters, no conflicts (2 of 4 stars). 3 submissions from 3 submitters: Uncertain significance (2). 1 of the submissions does not count toward it. Last evaluated 2025-04-15.

Conditions:
Ehlers-Danlos syndrome, dermatosparaxis type. Also called: Dermatosparaxis; Ehlers-Danlos syndrome, type VII, autosomal recessive; EDS VIIC. Identifiers: Orphanet 1901, MedGen C2700425, MONDO:0009161, OMIM 225410.

Submissions (3):

Mayo Clinic Laboratories, Mayo Clinic
Classification: Uncertain significance. Last evaluated: 2025-04-15. Review status: criteria provided, single submitter. Criteria: ACMG Guidelines, 2015. Collection method: clinical testing. Allele origin: germline. Observed: 1 variant allele.
Comment: BP4_moderate, PM2_supporting

GeneDx
Classification: Uncertain significance. Last evaluated: 2025-03-11. Review status: criteria provided, single submitter. Criteria: GeneDx Variant Classification Process June 2021. Collection method: clinical testing. Allele origin: germline. Affected: yes.
Comment: Not observed at significant frequency in large population cohorts (gnomAD); In silico analysis indicates that this missense variant does not alter protein structure/function; Has not been previously published as pathogenic or benign to our knowledge

Natera, Inc.
Classification: Uncertain significance for Ehlers-Danlos syndrome type VIIC. Last evaluated: 2020-07-17. Review status: no assertion criteria provided. Collection method: clinical testing. Allele origin: germline. Not counted in ClinVar's aggregate classification.

NM_014244.5(ADAMTS2):c.3380C>T (p.Thr1127Ile)

Gene: ADAMTS2 (ADAM metallopeptidase with thrombospondin type 1 motif 2; minus strand). Cytogenetic location: 5q35.3.
Variant type: single nucleotide variant.
Coding change: c.3380C>T on transcript NM_014244.5 (MANE Select); coding-DNA position 3380, C replaced by T.
Protein change: p.Thr1127Ile; replaces threonine 1127 with isoleucine.
Molecular consequence: missense variant.
Genome position (GRCh38, 1-based): chr5:179,114,123, G>A on the plus strand (C>T on the coding strand, the complement: ADAMTS2 is on the minus strand). VCF-style: chr5-179114123-G-A. GRCh37 (hg19) VCF-style: chr5-178541124-G-A.
Other names: p.Thr1127Ile; short protein forms T1127I.
Identifiers: ClinVar variation 1217937 (VCV001217937.6), dbSNP rs368462217, ClinGen allele CA362411693.